The following is an entry in ClinVar:

NM_022834.5(VWA1):c.1220T>C (p.Phe407Ser)

Gene: VWA1 (von Willebrand factor A domain containing 1; plus strand). Cytogenetic location: 1p36.33.
Variant type: single nucleotide variant.
Coding change: c.1220T>C on transcript NM_022834.5 (MANE Select); coding-DNA position 1220, T replaced by C.
Protein change: p.Phe407Ser; replaces phenylalanine 407 with serine.
Molecular consequence: missense variant. On other transcripts: 3 prime UTR variant (1).
Genome position (GRCh38, 1-based): chr1:1,439,669, T>C. VCF-style: chr1-1439669-T-C. GRCh37 (hg19) VCF-style: chr1-1375049-T-C.
Other names: p.Phe407Ser; c.*630T>C (NM_199121.3); short protein forms F407S.
Identifiers: ClinVar variation 3379789 (VCV003379789.1).

ClinVar aggregate classification (germline): Uncertain significance (1 of 4 stars; one submission).

Submission:

Mayo Clinic Laboratories, Mayo Clinic
Classification: Uncertain significance. Last evaluated: 2024-09-20. Review status: criteria provided, single submitter. Criteria: ACMG Guidelines, 2015. Collection method: clinical testing. Allele origin: germline. Observed: 1 variant allele.
Comment: BP4, PM2